The following is an entry in ClinVar:

ClinVar aggregate classification (germline): Uncertain significance (1 of 4 stars; one submission).

Allele frequency attached by ClinVar (database versions not stated): gnomAD exomes below 0.00001; ExAC 0.00001.

Submission:

Women's Health and Genetics/Laboratory Corporation of America, LabCorp
Classification: Uncertain significance. Last evaluated: 2025-04-03. Review status: criteria provided, single submitter. Criteria: LabCorp Variant Classification Summary - May 2015. Collection method: clinical testing. Allele origin: germline.
Comment: Variant summary: COL11A1 c.287C>T (p.Pro96Leu) results in a non-conservative amino acid change in the encoded protein sequence. Four of five in-silico tools predict a damaging effect of the variant on protein function. The variant allele was found at a frequency of 4.1e-06 in 243120 control chromosomes. The available data on variant occurrences in the general population are insufficient to allow any conclusion about variant significance. To our knowledge, no occurrence of c.287C>T in individuals affected with COL11A1-related conditions and no experimental evidence demonstrating its impact on protein function have been reported. ClinVar contains an entry for this variant (Variation ID: 3233912). Based on the evidence outlined above, the variant was classified as uncertain significance.

NM_001854.4(COL11A1):c.287C>T (p.Pro96Leu)

Gene: COL11A1 (collagen type XI alpha 1 chain; minus strand). Cytogenetic location: 1p21.1.
Variant type: single nucleotide variant.
Coding change: c.287C>T on transcript NM_001854.4 (MANE Select); coding-DNA position 287, C replaced by T.
Protein change: p.Pro96Leu; replaces proline 96 with leucine.
Molecular consequence: missense variant. On other transcripts: non-coding transcript variant (1).
Genome position (GRCh38, 1-based): chr1:103,078,859, G>A on the plus strand (C>T on the coding strand, the complement: COL11A1 is on the minus strand). VCF-style: chr1-103078859-G-A. GRCh37 (hg19) VCF-style: chr1-103544415-G-A.
Other names: c.287C>T, p.Pro96Leu (NM_001168249.1, NM_001190709.2, NM_080629.3 and 1 more transcripts); short protein forms P96L.
Identifiers: ClinVar variation 3233912 (VCV003233912.4), dbSNP rs757021843, ClinGen allele CA975486.